The following is an entry in ClinVar:

NM_006063.3(KLHL41):c.1477C>T (p.His493Tyr)

Gene: KLHL41 (kelch like family member 41; plus strand). Cytogenetic location: 2q31.1.
Variant type: single nucleotide variant.
Coding change: c.1477C>T on transcript NM_006063.3 (MANE Select); coding-DNA position 1477, C replaced by T.
Protein change: p.His493Tyr; replaces histidine 493 with tyrosine.
Molecular consequence: missense variant.
Genome position (GRCh38, 1-based): chr2:169,518,290, C>T. VCF-style: chr2-169518290-C-T. GRCh37 (hg19) VCF-style: chr2-170374800-C-T.
Other names: short protein forms H493Y.
Identifiers: ClinVar variation 1369962 (VCV001369962.3), dbSNP rs2105311181, ClinGen allele CA349179132.

ClinVar aggregate classification (germline): Uncertain significance (1 of 4 stars; one submission).

Conditions:
Nemaline myopathy 9 (NEM9). Identifiers: MedGen C3810384, MONDO:0014326, OMIM 615731.

Submission:

Labcorp Genetics (formerly Invitae), Labcorp
Classification: Uncertain significance for Nemaline myopathy 9. Last evaluated: 2021-09-26. Review status: criteria provided, single submitter. Criteria: Invitae Variant Classification Sherloc (09022015). Collection method: clinical testing. Allele origin: germline.
Comment: This sequence change replaces histidine with tyrosine at codon 493 of the KLHL41 protein (p.His493Tyr). The histidine residue is highly conserved and there is a moderate physicochemical difference between histidine and tyrosine. This variant is not present in population databases (ExAC no frequency). This variant has not been reported in the literature in individuals affected with KLHL41-related conditions. Algorithms developed to predict the effect of missense changes on protein structure and function (SIFT, PolyPhen-2, Align-GVGD) all suggest that this variant is likely to be disruptive. In summary, the available evidence is currently insufficient to determine the role of this variant in disease. Therefore, it has been classified as a Variant of Uncertain Significance.